The following is an entry in ClinVar:

ClinVar aggregate classification (germline): Uncertain significance. Review status: criteria provided, multiple submitters, no conflicts (2 of 4 stars). 2 submissions from 2 submitters: Uncertain significance (2). Last evaluated 2026-03-26.

Conditions:
KIDINS220-related disorder. Also called: KIDINS220-related condition.

gnomAD v4.1: 7 of 1,610,790 alleles (0.00043%); highest among the groups gnomAD compares: Non-Finnish European, 0.00059%; no homozygotes.

Submissions (2):

PreventionGenetics, part of Exact Sciences
Classification: Uncertain significance for KIDINS220-related condition. Last evaluated: 2026-03-26. Review status: criteria provided, single submitter. Criteria: ACMG Guidelines, 2015. Collection method: clinical testing. Allele origin: germline.
Comment: The KIDINS220 c.1794G>C variant is predicted to result in the amino acid substitution p.Leu598Phe. To our knowledge, this variant has not been reported in the literature or in a large population database (gnomAD), indicating this variant is rare. At this time, the clinical significance of this variant is uncertain due to the absence of conclusive functional and genetic evidence.

Labcorp Genetics (formerly Invitae), Labcorp
Classification: Uncertain significance. Last evaluated: 2025-04-10. Review status: criteria provided, single submitter. Criteria: Invitae Variant Classification Sherloc (09022015). Collection method: clinical testing. Allele origin: germline.
Comment: This sequence change replaces leucine, which is neutral and non-polar, with phenylalanine, which is neutral and non-polar, at codon 598 of the KIDINS220 protein (p.Leu598Phe). This variant is not present in population databases (gnomAD no frequency). This variant has not been reported in the literature in individuals affected with KIDINS220-related conditions. An algorithm developed to predict the effect of missense changes on protein structure and function (PolyPhen-2) suggests that this variant is likely to be disruptive. In summary, the available evidence is currently insufficient to determine the role of this variant in disease. Therefore, it has been classified as a Variant of Uncertain Significance.

NM_020738.4(KIDINS220):c.1794G>C (p.Leu598Phe)

Gene: KIDINS220 (kinase D interacting substrate 220; minus strand). Cytogenetic location: 2p25.1.
Variant type: single nucleotide variant.
Coding change: c.1794G>C on transcript NM_020738.4 (MANE Select); coding-DNA position 1794, G replaced by C.
Protein change: p.Leu598Phe; replaces leucine 598 with phenylalanine.
Molecular consequence: missense variant. On other transcripts: non-coding transcript variant (2).
Genome position (GRCh38, 1-based): chr2:8,786,351, C>G on the plus strand (G>C on the coding strand, the complement: KIDINS220 is on the minus strand). VCF-style: chr2-8786351-C-G. GRCh37 (hg19) VCF-style: chr2-8926481-C-G.
Other names: c.1794G>C, p.Leu598Phe (NM_001348738.2, NM_001348741.2, NM_001348742.2 and 3 more transcripts); c.1797G>C, p.Leu599Phe (NM_001348739.2, NM_001348740.2, NM_001348745.2 and 3 more transcripts); c.1668G>C, p.Leu556Phe (NM_001348736.2); c.1794G>C (NM_020738.2); short protein forms L556F, L598F, L599F.
Identifiers: ClinVar variation 4808772 (VCV004808772.2).